The following is an entry in ClinVar:

NM_005732.4(RAD50):c.2620A>T (p.Lys874Ter)

Gene: RAD50 (RAD50 double strand break repair protein; plus strand). Cytogenetic location: 5q31.1.
Variant type: single nucleotide variant.
Coding change: c.2620A>T on transcript NM_005732.4 (MANE Select); coding-DNA position 2620, A replaced by T.
Protein change: p.Lys874Ter; replaces lysine 874 with a stop codon.
Molecular consequence: nonsense.
Genome position (GRCh38, 1-based): chr5:132,604,901, A>T. VCF-style: chr5-132604901-A-T. GRCh37 (hg19) VCF-style: chr5-131940593-A-T.
Other names: short protein forms K874*.
Identifiers: ClinVar variation 1323513 (VCV001323513.7), dbSNP rs2149847772, ClinGen allele CA360956599.

ClinVar aggregate classification (germline): Pathogenic. Review status: criteria provided, multiple submitters, no conflicts (2 of 4 stars). 2 submissions from 2 submitters: Pathogenic (2). Last evaluated 2024-04-16.

Conditions:
Hereditary cancer-predisposing syndrome. Also called: Hereditary neoplastic syndrome; Neoplastic Syndromes, Hereditary; Tumor predisposition; Hereditary Cancer Syndrome. Identifiers: Orphanet 140162, MedGen C0027672, MeSH D009386, MONDO:0015356.
Nijmegen breakage syndrome-like disorder (NBSLD). Also called: MICROCEPHALY AND SPONTANEOUS CHROMOSOME INSTABILITY WITHOUT IMMUNODEFICIENCY; NBS-LIKE DISORDER; RAD50 DEFICIENCY. Identifiers: Orphanet 240760, MedGen C2751318, MONDO:0013118, OMIM 613078.

Submissions (2):

Labcorp Genetics (formerly Invitae), Labcorp
Classification: Pathogenic for Hereditary cancer-predisposing syndrome. Last evaluated: 2024-04-16. Review status: criteria provided, single submitter. Criteria: Invitae Variant Classification Sherloc (09022015). Collection method: clinical testing. Allele origin: germline.
Comment: This sequence change creates a premature translational stop signal (p.Lys874*) in the RAD50 gene. It is expected to result in an absent or disrupted protein product. Loss-of-function variants in RAD50 are known to be pathogenic (PMID: 19409520). This variant is not present in population databases (gnomAD no frequency). This variant has not been reported in the literature in individuals affected with RAD50-related conditions. ClinVar contains an entry for this variant (Variation ID: 1323513). For these reasons, this variant has been classified as Pathogenic.

Revvity Omics, Revvity
Classification: Pathogenic for Nijmegen breakage syndrome-like disorder. Last evaluated: 2019-04-24. Review status: criteria provided, single submitter. Criteria: ACMG Guidelines, 2015. Collection method: clinical testing. Allele origin: germline.

Literature cited by the submitters: PubMed 19409520 (cited by Labcorp Genetics (formerly Invitae), Labcorp).